The following is an entry in ClinVar:

NM_004655.4(AXIN2):c.38C>A (p.Pro13His)

Gene: AXIN2 (axin 2; minus strand). Cytogenetic location: 17q24.1.
Variant type: single nucleotide variant.
Coding change: c.38C>A on transcript NM_004655.4 (MANE Select); coding-DNA position 38, C replaced by A.
Protein change: p.Pro13His; replaces proline 13 with histidine.
Molecular consequence: missense variant.
Genome position (GRCh38, 1-based): chr17:65,558,583, G>T on the plus strand (C>A on the coding strand, the complement: AXIN2 is on the minus strand). VCF-style: chr17-65558583-G-T. GRCh37 (hg19) VCF-style: chr17-63554701-G-T.
Other names: c.38C>A, p.Pro13His (NM_001363813.1); short protein forms P13H.
Identifiers: ClinVar variation 1735992 (VCV001735992.4), dbSNP rs2144592043, ClinGen allele CA400682411.
Genomic context (GRCh38, chr17:65,558,583, plus strand): 5'-GTCTCCCCTTCTTCCCCTGGCACTGGGGGCCGCGGGGCATCCTCACGGAAGCTGCTGCTG[G>T]GGTCCGGGAGGCAAGTCACCAACATAGCGCTACTCATGGTGAGGGAGCTCTTCCCACTGA-3'
Protein context (NP_004646.3, residues 3-23): SAMLVTCLPD[Pro13His]SSSFREDAPR

ClinVar aggregate classification (germline): Uncertain significance. Review status: criteria provided, multiple submitters, no conflicts (2 of 4 stars). 2 submissions from 2 submitters: Uncertain significance (2). Last evaluated 2025-01-08.

Conditions:
Hereditary cancer-predisposing syndrome. Also called: Neoplastic Syndromes, Hereditary; Tumor predisposition; Hereditary Cancer Syndrome; Hereditary neoplastic syndrome. Identifiers: Orphanet 140162, MedGen C0027672, MeSH D009386, MONDO:0015356.
Oligodontia-cancer predisposition syndrome. Also called: TOOTH AGENESIS-COLORECTAL CANCER SYNDROME. Identifiers: Orphanet 300576, MedGen C1837750, MONDO:0012075, OMIM 608615. Disease mechanism: loss of function.

Submissions (2):

Labcorp Genetics (formerly Invitae), Labcorp
Classification: Uncertain significance for Oligodontia-cancer predisposition syndrome. Last evaluated: 2025-01-08. Review status: criteria provided, single submitter. Criteria: Invitae Variant Classification Sherloc (09022015). Collection method: clinical testing. Allele origin: germline.
Comment: This sequence change replaces proline, which is neutral and non-polar, with histidine, which is basic and polar, at codon 13 of the AXIN2 protein (p.Pro13His). This variant is not present in population databases (gnomAD no frequency). This variant has not been reported in the literature in individuals affected with AXIN2-related conditions. ClinVar contains an entry for this variant (Variation ID: 1735992). Invitae Evidence Modeling of protein sequence and biophysical properties (such as structural, functional, and spatial information, amino acid conservation, physicochemical variation, residue mobility, and thermodynamic stability) indicates that this missense variant is not expected to disrupt AXIN2 protein function with a negative predictive value of 80%. In summary, the available evidence is currently insufficient to determine the role of this variant in disease. Therefore, it has been classified as a Variant of Uncertain Significance.

Ambry Genetics
Classification: Uncertain significance for Hereditary cancer-predisposing syndrome. Last evaluated: 2022-09-16. Review status: criteria provided, single submitter. Criteria: Ambry Variant Classification Scheme 2023. Collection method: clinical testing. Allele origin: germline.
Comment: The p.P13H variant (also known as c.38C>A), located in coding exon 1 of the AXIN2 gene, results from a C to A substitution at nucleotide position 38. The proline at codon 13 is replaced by histidine, an amino acid with similar properties. This amino acid position is conserved. In addition, this alteration is predicted to be tolerated by in silico analysis. Since supporting evidence is limited at this time, the clinical significance of this alteration remains unclear.